The following is an entry in ClinVar:

ClinVar aggregate classification (germline): Benign. Review status: criteria provided, multiple submitters, no conflicts (2 of 4 stars). 4 submissions from 3 submitters: Benign (4). Last evaluated 2021-05-10.

Conditions:
Mitochondrial complex IV deficiency, nuclear type 1 (MC4DN1). Also called: COX DEFICIENCY; Mitochondrial complex IV deficiency; Complex 4 mitochondrial respiratory chain deficiency; Deficiency of mitochondrial respiratory chain complex4; Complex IV deficiency. Identifiers: MedGen C5435656, MONDO:0700250, OMIM 220110. Disease mechanism: loss of function.
Leigh syndrome (NULS). Also called: Leigh Disease; Subacute necrotizing encephalopathy; Necrotizing encephalopathy infantile subacute of Leigh; Leigh's necrotizing encephalopathy; Leigh's disease; Leigh's syndrome. Identifiers: Orphanet 506, MedGen C2931891, MONDO:0009723, OMIM 256000.

Allele frequency attached by ClinVar (database versions not stated): 1000 Genomes Project 0.22664; 1000 Genomes Project 30x 0.22986; TOPMed 0.24905; gnomAD exomes 0.25000; gnomAD 0.26244 and 0.26519.
gnomAD v4.1: 40,440 of 152,150 alleles (27%); highest among the groups gnomAD compares: Non-Finnish European, 35%; 6,260 homozygotes.

Submissions (4):

GeneDx
Classification: Benign. Last evaluated: 2021-05-10. Review status: criteria provided, single submitter. Criteria: GeneDx Variant Classification Process June 2021. Collection method: clinical testing. Allele origin: germline. Affected: yes.

Illumina Laboratory Services, Illumina
Classification: Benign for Mitochondrial complex IV deficiency, nuclear type 1. Last evaluated: 2018-01-13. Review status: criteria provided, single submitter. Criteria: ICSL Variant Classification Criteria 13 December 2019. Collection method: clinical testing. Allele origin: germline.
Comment: This variant was observed in the ICSL laboratory as part of a predisposition screen in an ostensibly healthy population. It had not been previously curated by ICSL or reported in the Human Gene Mutation Database (HGMD: prior to June 1st, 2018), and was therefore a candidate for classification through an automated scoring system. Utilizing variant allele frequency, disease prevalence and penetrance estimates, and inheritance mode, an automated score was calculated to assess if this variant is too frequent to cause the disease. Based on the score and internal cut-off values, a variant classified as benign is not then subjected to further curation. The score for this variant resulted in a classification of benign for this disease.

Illumina Laboratory Services, Illumina
Classification: Benign for Leigh syndrome. Last evaluated: 2018-01-13. Review status: criteria provided, single submitter. Criteria: ICSL Variant Classification Criteria 13 December 2019. Collection method: clinical testing. Allele origin: germline.
Comment: the same text as in the submission from Illumina Laboratory Services, Illumina above.

Breakthrough Genomics
Classification: Benign. Review status: criteria provided, single submitter. Criteria: ACMG Guidelines, 2015. Collection method: not provided. Allele origin: germline. Inheritance: Autosomal recessive inheritance. Affected: yes.

NM_001303.4(COX10):c.*1385C>T

Gene: COX10 (cytochrome c oxidase assembly factor heme A:farnesyltransferase COX10; plus strand). Cytogenetic location: 17p12.
Variant type: single nucleotide variant.
Coding change: c.*1385C>T on transcript NM_001303.4 (MANE Select); 1385 bases downstream of the stop codon, C replaced by T.
Molecular consequence: 3 prime UTR variant.
Genome position (GRCh38, 1-based): chr17:14,208,598, C>T. VCF-style: chr17-14208598-C-T. GRCh37 (hg19) VCF-style: chr17-14111915-C-T.
Identifiers: ClinVar variation 321843 (VCV000321843.8), dbSNP rs1050223, ClinGen allele CA10649523.